The following is an entry in ClinVar:

NM_005546.4(ITK):c.139-3C>T

Gene: ITK (IL2 inducible T cell kinase; plus strand). Cytogenetic location: 5q33.3.
Variant type: single nucleotide variant.
Coding change: c.139-3C>T on transcript NM_005546.4 (MANE Select); 3 bases into the intron before coding-DNA position 139, C replaced by T.
Molecular consequence: intron variant.
Genome position (GRCh38, 1-based): chr5:157,208,886, C>T. VCF-style: chr5-157208886-C-T. GRCh37 (hg19) VCF-style: chr5-156635897-C-T.
Identifiers: ClinVar variation 1360487 (VCV001360487.4), dbSNP rs746991589, ClinGen allele CA3532641.
Genomic context (GRCh38, chr5:157,208,886, plus strand): 5'-GCAATCTGGACAAAAATATTGTCTTCTTTCTTACATGAATGGGATGTTCTTCTCTCCCCA[C>T]AGAAGAAGCGCACGCTGAAGGGGTCCATTGAGCTCTCCCGAATCAAATGTGTTGAGATTG-3'

ClinVar aggregate classification (germline): Uncertain significance (1 of 4 stars; one submission).

Conditions:
Lymphoproliferative syndrome 1 (LPFS1). Identifiers: Orphanet 238505, Orphanet 538963, MedGen C3552634, MONDO:0013081, OMIM 613011.

Allele frequency attached by ClinVar (database versions not stated): TOPMed 0.00001.
gnomAD v4.1: 6 of 1,601,572 alleles (0.00037%); highest among the groups gnomAD compares: East Asian, 0.0067%; no homozygotes.

Submission:

Labcorp Genetics (formerly Invitae), Labcorp
Classification: Uncertain significance for Lymphoproliferative syndrome 1. Last evaluated: 2021-08-11. Review status: criteria provided, single submitter. Criteria: Invitae Variant Classification Sherloc (09022015). Collection method: clinical testing. Allele origin: germline.
Comment: This sequence change falls in intron 1 of the ITK gene. It does not directly change the encoded amino acid sequence of the ITK protein. It affects a nucleotide within the consensus splice site of the intron. This variant is present in population databases (rs746991589, ExAC 0.02%). This variant has not been reported in the literature in individuals affected with ITK-related conditions. Nucleotide substitutions within the consensus splice site are a relatively common cause of aberrant splicing (PMID: 17576681, 9536098). Algorithms developed to predict the effect of sequence changes on RNA splicing suggest that this variant is not likely to affect RNA splicing. In summary, the available evidence is currently insufficient to determine the role of this variant in disease. Therefore, it has been classified as a Variant of Uncertain Significance.

Literature cited by the submitters: PubMed 17576681; PubMed 9536098.